The following is an entry in ClinVar:

ClinVar aggregate classification (germline): Benign (1 of 4 stars; one submission).

Conditions:
Colorectal cancer, susceptibility to, 12 (CRCS12). Also called: COLORECTAL CANCER, SUSCEPTIBILITY TO, ON CHROMOSOME 12q24. Identifiers: Orphanet 220460, MedGen C3554460, MONDO:0014038, OMIM 615083.

Submission:

Myriad Genetics, Inc.
Classification: Benign for Colorectal cancer, susceptibility to, 12. Last evaluated: 2025-02-10. Review status: criteria provided, single submitter. Criteria: Myriad Autosomal Dominant, Autosomal Recessive and X-Linked Classification Criteria (2023). Collection method: clinical testing. Allele origin: unknown.
Comment: This variant is considered benign. This variant is a silent/synonymous amino acid change and it is not expected to impact splicing.

NM_006231.4(POLE):c.1140T>C (p.Gly380=)

Gene: POLE (DNA polymerase epsilon, catalytic subunit; minus strand). Cytogenetic location: 12q24.33.
Variant type: single nucleotide variant.
Coding change: c.1140T>C on transcript NM_006231.4 (MANE Select); coding-DNA position 1140, T replaced by C.
Protein change: p.Gly380=; no amino-acid change (glycine 380 retained).
Molecular consequence: synonymous variant.
Genome position (GRCh38, 1-based): chr12:132,675,484, A>G on the plus strand (T>C on the coding strand, the complement: POLE is on the minus strand). VCF-style: chr12-132675484-A-G. GRCh37 (hg19) VCF-style: chr12-133252070-A-G.
Identifiers: ClinVar variation 3904114 (VCV003904114.1).